The following is an entry in ClinVar:

ClinVar aggregate classification (germline): Uncertain significance. Review status: criteria provided, multiple submitters, no conflicts (2 of 4 stars). 2 submissions from 2 submitters: Uncertain significance (2). Last evaluated 2023-02-24.

Conditions:
Aneurysm-osteoarthritis syndrome. Also called: LOEYS-DIETZ SYNDROME WITH OSTEOARTHRITIS; Loeys-Dietz syndrome, type 1C; SMAD3-Related Loeys-Dietz Syndrome; ANEURYSMS-OSTEOARTHRITIS SYNDROME. Identifiers: Orphanet 284984, MedGen C3151087, MONDO:0013426, OMIM 613795.

Allele frequency attached by ClinVar (database versions not stated): gnomAD exomes below 0.00001; gnomAD 0.00001.
gnomAD v4.1: 4 of 1,592,308 alleles (0.00025%); highest among the groups gnomAD compares: African/African-American, 0.0013%; no homozygotes.

Submissions (2):

All of Us Research Program, National Institutes of Health
Classification: Uncertain significance for Aneurysm-osteoarthritis syndrome. Last evaluated: 2023-02-24. Review status: criteria provided, single submitter. Criteria: ACMG Guidelines, 2015. Collection method: clinical testing. Allele origin: germline. Inheritance: Autosomal dominant inheritance. Observed: 1 variant allele, 1 heterozygote.
Comment: This missense variant replaces proline with serine at codon 181 of the SMAD3 protein. Computational prediction is inconclusive regarding the impact of this variant on protein structure and function (internally defined REVEL score threshold 0.5 < inconclusive < 0.7, PMID: 27666373). To our knowledge, functional studies have not been reported for this variant. This variant has not been reported in individuals affected with SMAD3-related disorders in the literature. This variant has been identified in 1/31382 chromosomes in the general population by the Genome Aggregation Database (gnomAD). The available evidence is insufficient to determine the role of this variant in disease conclusively. Therefore, this variant is classified as a Variant of Uncertain Significance.

This study involves interpretation of variants in research participants for the purpose of population health screening. Participant phenotype was not available at the time of variant classification. Additional details can be found in publication PMID: 35346344, PMCID: PMC8962531

Blueprint Genetics
Classification: Uncertain significance. Last evaluated: 2020-07-30. Review status: criteria provided, single submitter. Criteria: ACMG Guidelines, 2015. Collection method: clinical testing. Allele origin: germline.

NM_005902.4(SMAD3):c.541C>T (p.Pro181Ser)

Gene: SMAD3 (SMAD family member 3; plus strand). Cytogenetic location: 15q22.33.
Variant type: single nucleotide variant.
Coding change: c.541C>T on transcript NM_005902.4 (MANE Select); coding-DNA position 541, C replaced by T.
Protein change: p.Pro181Ser; replaces proline 181 with serine.
Molecular consequence: missense variant. On other transcripts: 5 prime UTR variant (2).
Genome position (GRCh38, 1-based): chr15:67,166,787, C>T. VCF-style: chr15-67166787-C-T. GRCh37 (hg19) VCF-style: chr15-67459125-C-T.
Other names: c.226C>T, p.Pro76Ser (NM_001145102.2, NM_001407016.1); c.409C>T, p.Pro137Ser (NM_001145103.2, NM_001407012.1); c.-45C>T (NM_001145104.2, NM_001407017.1); c.541C>T, p.Pro181Ser (NM_001407011.1, NM_001407013.1); c.394C>T, p.Pro132Ser (NM_001407014.1); c.94C>T, p.Pro32Ser (NM_001407015.1); short protein forms P132S, P137S, P181S, P32S, P76S.
Identifiers: ClinVar variation 3069630 (VCV003069630.2), dbSNP rs1179975612, ClinGen allele CA392954611.
Genomic context (GRCh38, chr15:67,166,787, plus strand): 5'-AGAGCCAAGCTGTGAAGGCCTTTTAACAGACCACCTTCCTTCTGATTCCCAGAGACCCCA[C>T]CCCCTGGCTACCTGAGTGAAGATGGAGAAACCAGTGACCACCAGATGAACCACAGCATGG-3'
Protein context (NP_005893.1, residues 171-191): EPQSNIPETP[Pro181Ser]PGYLSEDGET